The following is an entry in ClinVar:

NM_000219.6(KCNE1):c.176T>C (p.Leu59Pro)

Gene: KCNE1 (potassium voltage-gated channel subfamily E regulatory subunit 1; minus strand). Cytogenetic location: 21q22.12.
Variant type: single nucleotide variant.
Coding change: c.176T>C on transcript NM_000219.6 (MANE Select); coding-DNA position 176, T replaced by C.
Protein change: p.Leu59Pro; replaces leucine 59 with proline.
Molecular consequence: missense variant.
Genome position (GRCh38, 1-based): chr21:34,449,459, A>G on the plus strand (T>C on the coding strand, the complement: KCNE1 is on the minus strand). VCF-style: chr21-34449459-A-G. GRCh37 (hg19) VCF-style: chr21-35821757-A-G.
Other names: c.176T>C, p.Leu59Pro (NM_001127668.4, NM_001127669.4, NM_001127670.4 and 4 more transcripts); c.176T>C (LRG_290t1); short protein forms L59P.
Identifiers: ClinVar variation 132659 (VCV000132659.7), dbSNP rs141813529, ClinGen allele CA331935.

ClinVar aggregate classification (germline): Uncertain significance. Review status: criteria provided, multiple submitters, no conflicts (2 of 4 stars). 3 submissions from 3 submitters: Uncertain significance (2). 1 of the submissions does not count toward it. Last evaluated 2021-01-18.

Conditions:
Familial long QT syndrome (RWS). Also called: Congenital long QT syndrome; VENTRICULAR FIBRILLATION WITH PROLONGED QT INTERVAL; Romano-Ward syndrome. Identifiers: Orphanet 768, MedGen C1141890, MONDO:0019171.

Allele frequency attached by ClinVar (database versions not stated): ExAC 0.00002; gnomAD 0.00002; gnomAD exomes 0.00001.

Submissions (4):

Blueprint Genetics
Classification: Uncertain significance. Last evaluated: 2021-01-18. Review status: criteria provided, single submitter. Criteria: ACMG Guidelines, 2015. Collection method: clinical testing. Allele origin: germline.

Laboratory for Molecular Medicine, Mass General Brigham Personalized Medicine
Classification: Uncertain significance. Last evaluated: 2016-10-20. Review status: criteria provided, single submitter. Criteria: LMM Criteria. Collection method: clinical testing. Allele origin: germline.
Comment: Variant identified in a genome or exome case(s) and assessed due to predicted null impact of the variant or pathogenic assertions in the literature or databases. Disclaimer: This variant has not undergone full assessment. The following are preliminary notes: Present in cis with c.172A>C in 2 individuals in ExAC. Both have been reported in 2 individuals with LQT (PMID 19716085)

Cardiovascular Biomedical Research Unit, Royal Brompton & Harefield NHS Foundation Trust
No classification provided. Condition: Familial long QT syndrome. Review status: no classification provided. Collection method: literature only. Allele origin: germline. Not counted in ClinVar's aggregate classification.
Comment: This variant has been reported as associated with Long QT syndrome in the following publications (PMID:19716085). This is a literature report, and does not necessarily reflect the clinical interpretation of the Imperial College / Royal Brompton Cardiovascular Genetics laboratory.

Roden Lab, Vanderbilt University Medical Center
No classification provided (evidence only). Condition: Long QT syndrome 5. Review status: no classification provided. Collection method: in vitro. Allele origin: not applicable. Functional consequence: Effect on ion channel function. Not counted in ClinVar's aggregate classification.
ClinVar note: "not provided" was previously submitted as the classification for the variant. However, the classification appeared to be based only on an observation of functional data so it was converted to no classification on 2025-07-30.

Literature cited by the submitters: PubMed 19716085 (cited by Cardiovascular Biomedical Research Unit, Royal Brompton & Harefield NHS Foundation Trust); PubMed 22581653 (cited by Cardiovascular Biomedical Research Unit, Royal Brompton & Harefield NHS Foundation Trust).